The following is an entry in ClinVar:

ClinVar aggregate classification (germline): Uncertain significance (1 of 4 stars; one submission).

Conditions:
Retinoblastoma (RB1). Also called: RETINOBLASTOMA, SOMATIC. Identifiers: Orphanet 790, MedGen C0035335, MeSH D012175, MONDO:0008380, OMIM 180200, HP:0009919. Disease mechanism: loss of function. Inheritance: Both sporadic and heritable forms are tested..

Allele frequency attached by ClinVar (database versions not stated): gnomAD exomes below 0.00001; TOPMed below 0.00001.
gnomAD v4.1: 1 of 1,613,824 alleles (0.000062%); highest among the groups gnomAD compares: Non-Finnish European, 0.000085%; no homozygotes.

Submission:

Labcorp Genetics (formerly Invitae), Labcorp
Classification: Uncertain significance for Retinoblastoma. Last evaluated: 2025-10-29. Review status: criteria provided, single submitter. Criteria: Invitae Variant Classification Sherloc (09022015). Collection method: clinical testing. Allele origin: germline.
Comment: This sequence change replaces tyrosine, which is neutral and polar, with cysteine, which is neutral and slightly polar, at codon 692 of the RB1 protein (p.Tyr692Cys). This variant is not present in population databases (gnomAD no frequency). This variant has not been reported in the literature in individuals affected with RB1-related conditions. ClinVar contains an entry for this variant (Variation ID: 1412210). Invitae Evidence Modeling of protein sequence and biophysical properties (such as structural, functional, and spatial information, amino acid conservation, physicochemical variation, residue mobility, and thermodynamic stability) indicates that this missense variant is expected to disrupt RB1 protein function with a positive predictive value of 80%. In summary, the available evidence is currently insufficient to determine the role of this variant in disease. Therefore, it has been classified as a Variant of Uncertain Significance.

NM_000321.3(RB1):c.2075A>G (p.Tyr692Cys)

Gene: RB1 (RB transcriptional corepressor 1; plus strand). Cytogenetic location: 13q14.2.
Variant type: single nucleotide variant.
Coding change: c.2075A>G on transcript NM_000321.3 (MANE Select); coding-DNA position 2075, A replaced by G.
Protein change: p.Tyr692Cys; replaces tyrosine 692 with cysteine.
Molecular consequence: missense variant.
Genome position (GRCh38, 1-based): chr13:48,459,802, A>G. VCF-style: chr13-48459802-A-G. GRCh37 (hg19) VCF-style: chr13-49033938-A-G.
Other names: short protein forms Y692C.
Identifiers: ClinVar variation 1412210 (VCV001412210.8), dbSNP rs1294102595, ClinGen allele CA388166907.